The following is an entry in ClinVar:

ClinVar aggregate classification (germline): Uncertain significance. Review status: criteria provided, multiple submitters, no conflicts (2 of 4 stars). 2 submissions from 2 submitters: Uncertain significance (2). Last evaluated 2024-01-08.

Conditions:
Inborn genetic diseases. Identifiers: MedGen C0950123, MeSH D030342.
46,XX ovarian dysgenesis-short stature syndrome (ODG4). Also called: OVARIAN DYSGENESIS 4. Identifiers: Orphanet 444048, MedGen C4015409, MONDO:0014520, OMIM 616185.

Allele frequency attached by ClinVar (database versions not stated): ExAC 0.00019; gnomAD 0.00055 and 0.00058; 1000 Genomes Project 30x 0.00047; ESP Exome Variant Server 0.00069; 1000 Genomes Project 0.00040.

Submissions (2):

Ambry Genetics
Classification: Uncertain significance for Inborn genetic diseases. Last evaluated: 2024-01-08. Review status: criteria provided, single submitter. Criteria: Ambry Variant Classification Scheme 2023. Collection method: clinical testing. Allele origin: germline.

Breda Genetics srl
Classification: Uncertain significance for 46,XX ovarian dysgenesis-short stature syndrome. Last evaluated: 2021-02-05. Review status: criteria provided, single submitter. Criteria: ACMG Guidelines, 2015. Collection method: clinical testing. Allele origin: germline. Inheritance: Autosomal recessive inheritance. Affected: yes. Observed: 1 variant allele, 1 heterozygote.
Comment: Based on allele frequency, in-silico prediction scores and a certain overlap with the clinical phenotype, we interpreted this variant at least as of uncertain significance. The lack of one or more of the following features has discouraged further investigations: lack of a possible second hit in autosomal recessive conditions, presence of healthy controls in databases for autosomal dominant conditions, presence of unmatching cardinal clinical features in the patient or in the known gene-disease association, and/or variant type outside the known gene mutational spectrum.

NM_017696.3(MCM9):c.503G>A (p.Arg168Gln)

Gene: MCM9 (minichromosome maintenance 9 homologous recombination repair factor; minus strand). Cytogenetic location: 6q22.31.
Variant type: single nucleotide variant.
Coding change: c.503G>A on transcript NM_017696.3 (MANE Select); coding-DNA position 503, G replaced by A.
Protein change: p.Arg168Gln; replaces arginine 168 with glutamine.
Molecular consequence: missense variant. On other transcripts: non-coding transcript variant (2).
Genome position (GRCh38, 1-based): chr6:118,923,929, C>T on the plus strand (G>A on the coding strand, the complement: MCM9 is on the minus strand). VCF-style: chr6-118923929-C-T. GRCh37 (hg19) VCF-style: chr6-119245094-C-T.
Other names: c.503G>A, p.Arg168Gln (NM_001378356.1, NM_001378357.1, NM_001378358.1 and 9 more transcripts); c.305G>A, p.Arg102Gln (NM_001378361.1, NM_001378362.1, NM_001378363.1 and 3 more transcripts); short protein forms R102Q, R168Q.
Identifiers: ClinVar variation 1299227 (VCV001299227.2), dbSNP rs34665713, ClinGen allele CA3978699.